The following is an entry in ClinVar:

ClinVar aggregate classification (germline): Uncertain significance. Review status: criteria provided, multiple submitters, no conflicts (2 of 4 stars). 4 submissions from 4 submitters: Uncertain significance (4). Last evaluated 2025-05-01.

Conditions:
Inborn genetic diseases. Identifiers: MedGen C0950123, MeSH D030342.

Allele frequency attached by ClinVar (database versions not stated): TOPMed below 0.00001; gnomAD 0.00001; gnomAD exomes 0.00007 and 0.00009; ExAC 0.00014.
gnomAD v4.1: 109 of 1,614,000 alleles (0.0068%); highest among the groups gnomAD compares: Non-Finnish European, 0.0082%; no homozygotes.

Submissions (4):

CeGaT Center for Human Genetics Tuebingen
Classification: Uncertain significance. Last evaluated: 2025-05-01. Review status: criteria provided, single submitter. Criteria: CeGaT Center For Human Genetics Tuebingen Variant Classification Criteria Version 2. Collection method: clinical testing. Allele origin: germline. Affected: yes. Observed: 1 variant allele.
Comment: COL9A2: PM2, PP3

Labcorp Genetics (formerly Invitae), Labcorp
Classification: Uncertain significance. Last evaluated: 2025-03-25. Review status: criteria provided, single submitter. Criteria: Invitae Variant Classification Sherloc (09022015). Collection method: clinical testing. Allele origin: germline.
Comment: This sequence change replaces glycine, which is neutral and non-polar, with arginine, which is basic and polar, at codon 615 of the COL9A2 protein (p.Gly615Arg). This variant is present in population databases (rs760311046, gnomAD 0.02%). This variant has not been reported in the literature in individuals affected with COL9A2-related conditions. ClinVar contains an entry for this variant (Variation ID: 594104). Invitae Evidence Modeling of protein sequence and biophysical properties (such as structural, functional, and spatial information, amino acid conservation, physicochemical variation, residue mobility, and thermodynamic stability) indicates that this missense variant is expected to disrupt COL9A2 protein function with a positive predictive value of 95%. In summary, the available evidence is currently insufficient to determine the role of this variant in disease. Therefore, it has been classified as a Variant of Uncertain Significance.

Ambry Genetics
Classification: Uncertain significance for Inborn genetic diseases. Last evaluated: 2025-01-01. Review status: criteria provided, single submitter. Criteria: Ambry Variant Classification Scheme 2023. Collection method: clinical testing. Allele origin: germline.

Eurofins Ntd Llc (ga)
Classification: Uncertain significance. Last evaluated: 2017-09-28. Review status: criteria provided, single submitter. Criteria: EGL Classification Definitions 2015. Collection method: clinical testing. Allele origin: germline. Observed: 1 variant allele, 1 heterozygote.

NM_001852.4(COL9A2):c.1843G>A (p.Gly615Arg)

Gene: COL9A2 (collagen type IX alpha 2 chain; minus strand). Cytogenetic location: 1p34.2.
Variant type: single nucleotide variant.
Coding change: c.1843G>A on transcript NM_001852.4 (MANE Select); coding-DNA position 1843, G replaced by A.
Protein change: p.Gly615Arg; replaces glycine 615 with arginine.
Molecular consequence: missense variant.
Genome position (GRCh38, 1-based): chr1:40,301,839, C>T on the plus strand (G>A on the coding strand, the complement: COL9A2 is on the minus strand). VCF-style: chr1-40301839-C-T. GRCh37 (hg19) VCF-style: chr1-40767511-C-T.
Other names: c.1843G>A (NM_001852.3); short protein forms G615R.
Identifiers: ClinVar variation 594104 (VCV000594104.21), dbSNP rs760311046, ClinGen allele CA791308.